The following is an entry in ClinVar:

NM_001110556.2(FLNA):c.7506C>T (p.Gly2502=)

Gene: FLNA (filamin A; minus strand). Cytogenetic location: Xq28.
Variant type: single nucleotide variant.
Coding change: c.7506C>T on transcript NM_001110556.2 (MANE Select); coding-DNA position 7506, C replaced by T.
Protein change: p.Gly2502=; no amino-acid change (glycine 2502 retained).
Molecular consequence: synonymous variant.
Genome position (GRCh38, 1-based): chrX:154,349,695, G>A on the plus strand (C>T on the coding strand, the complement: FLNA is on the minus strand). VCF-style: chrX-154349695-G-A. GRCh37 (hg19) VCF-style: chrX-153578063-G-A.
Other names: p.Gly2494=; c.7506C>T (NM_001110556.1); c.7482C>T, p.Gly2494= (NM_001456.4).
Identifiers: ClinVar variation 197518 (VCV000197518.34), dbSNP rs200195310, ClinGen allele CA202928.

ClinVar aggregate classification (germline): Benign/Likely benign. Review status: criteria provided, multiple submitters, no conflicts (2 of 4 stars). 9 submissions from 9 submitters: Benign (5); Likely benign (3). 1 of the submissions does not count toward it. Last evaluated 2026-01-31.

Conditions:
FLNA-related disorder.
Heterotopia, periventricular, X-linked dominant (PVNH1). Also called: PERIVENTRICULAR NODULAR HETEROTOPIA 4; HETEROTOPIA, PERIVENTRICULAR, 1; PERIVENTRICULAR NODULAR HETEROTOPIA 1; X-linked periventricular heterotopia. Identifiers: Orphanet 2149, Orphanet 82004, MedGen C1848213, MONDO:0010233, OMIM 300049.
Melnick-Needles syndrome (MNS). Also called: Melnick-Needles Syndrome (FLNA-MNS); OSTEODYSPLASTY OF MELNICK AND NEEDLES; MELNICK-NEEDLES OSTEODYSPLASTY. Identifiers: Orphanet 2484, MedGen C0025237, MONDO:0010650, OMIM 309350.
Oto-palato-digital syndrome, type II (OPD2). Also called: Otopalatodigital Syndrome, Type II; Otopalatodigital Syndrome Type 2 (FLNA-OPD2); OPD II SYNDROME; FACIOPALATOOSSEOUS SYNDROME. Identifiers: Orphanet 669, Orphanet 90652, MedGen C1844696, MONDO:0010571, OMIM 304120.
Frontometaphyseal dysplasia (FMD1). Identifiers: Orphanet 1826, MedGen C0265293, MONDO:0015942.
Familial thoracic aortic aneurysm and aortic dissection (TAAD). Also called: Thoracic aortic aneurysms and dissections. Identifiers: Orphanet 91387, MedGen C4707243, MONDO:0019625.

Allele frequency attached by ClinVar (database versions not stated): gnomAD exomes 0.00017 and 0.00041; 1000 Genomes Project 30x 0.00042; ExAC 0.00044; 1000 Genomes Project 0.00053; gnomAD 0.00131 and 0.00141; TOPMed 0.00149; ESP Exome Variant Server 0.00171.
gnomAD v4.1: 344 of 1,210,955 alleles (0.028%); highest among the groups gnomAD compares: African/African-American, 0.44%; 1 homozygote.

Submissions (9):

Labcorp Genetics (formerly Invitae), Labcorp
Classification: Benign for Oto-palato-digital syndrome, type II; Heterotopia, periventricular, X-linked dominant; Frontometaphyseal dysplasia; Melnick-Needles syndrome. Last evaluated: 2026-01-31. Review status: criteria provided, single submitter. Criteria: Invitae Variant Classification Sherloc (09022015). Collection method: clinical testing. Allele origin: germline.

Mayo Clinic Laboratories, Mayo Clinic
Classification: Benign. Last evaluated: 2025-01-14. Review status: criteria provided, single submitter. Criteria: ACMG Guidelines, 2015. Collection method: clinical testing. Allele origin: germline. Observed: 6 variant alleles.
Comment: BS1, BS2, BP4, BP7

Blueprint Genetics
Classification: Likely benign. Last evaluated: 2024-10-18. Review status: criteria provided, single submitter. Criteria: ACMG Guidelines, 2015. Collection method: clinical testing. Allele origin: germline.

ARUP Laboratories, Molecular Genetics and Genomics, ARUP Laboratories
Classification: Benign. Last evaluated: 2024-10-11. Review status: criteria provided, single submitter. Criteria: ARUP Molecular Germline Variant Investigation Process 2024. Collection method: clinical testing. Allele origin: germline.

Women's Health and Genetics/Laboratory Corporation of America, LabCorp
Classification: Benign. Last evaluated: 2023-08-24. Review status: criteria provided, single submitter. Criteria: LabCorp Variant Classification Summary - May 2015. Collection method: clinical testing. Allele origin: germline.

GeneDx
Classification: Likely benign. Last evaluated: 2021-01-07. Review status: criteria provided, single submitter. Criteria: GeneDx Variant Classification Process June 2021. Collection method: clinical testing. Allele origin: germline. Affected: yes.

Ambry Genetics
Classification: Likely benign for Familial thoracic aortic aneurysm and aortic dissection. Last evaluated: 2016-01-28. Review status: criteria provided, single submitter. Criteria: Ambry Variant Classification Scheme 2023. Collection method: clinical testing. Allele origin: germline.

Eurofins Ntd Llc (ga)
Classification: Benign. Last evaluated: 2015-06-05. Review status: criteria provided, single submitter. Criteria: EGL Classification Definitions 2015. Collection method: clinical testing. Allele origin: germline. Observed: 1 variant allele, 1 hemizygote.

PreventionGenetics, part of Exact Sciences
Classification: Benign for FLNA-related condition. Last evaluated: 2019-06-25. Review status: no assertion criteria provided. Collection method: clinical testing. Allele origin: germline. Not counted in ClinVar's aggregate classification.
Comment: This variant is classified as benign based on ACMG/AMP sequence variant interpretation guidelines (Richards et al. 2015 PMID: 25741868, with internal and published modifications).